The following is an entry in ClinVar:

NM_020320.5(RARS2):c.757A>G (p.Ile253Val)

Gene: RARS2 (arginyl-tRNA synthetase 2, mitochondrial; minus strand). Cytogenetic location: 6q15.
Variant type: single nucleotide variant.
Coding change: c.757A>G on transcript NM_020320.5 (MANE Select); coding-DNA position 757, A replaced by G.
Protein change: p.Ile253Val; replaces isoleucine 253 with valine.
Molecular consequence: missense variant. On other transcripts: non-coding transcript variant (23).
Genome position (GRCh38, 1-based): chr6:87,530,798, T>C on the plus strand (A>G on the coding strand, the complement: RARS2 is on the minus strand). VCF-style: chr6-87530798-T-C. GRCh37 (hg19) VCF-style: chr6-88240516-T-C.
Other names: p.I253V:ATT>GTT; c.232A>G, p.Ile78Val (NM_001318785.2, NM_001350506.2, NM_001350507.2 and 4 more transcripts); c.757A>G, p.Ile253Val (NM_001350505.2); c.757A>G (NM_020320.4); short protein forms I253V, I78V.
Identifiers: ClinVar variation 215057 (VCV000215057.4), dbSNP rs863224179, ClinGen allele CA322779.

ClinVar aggregate classification (germline): Uncertain significance. Review status: criteria provided, multiple submitters, no conflicts (2 of 4 stars). 3 submissions from 3 submitters: Uncertain significance (2). 1 of the submissions does not count toward it. Last evaluated 2021-07-01.

Conditions:
Pontocerebellar hypoplasia type 6 (PCH6). Identifiers: Orphanet 166073, MedGen C1969084, MONDO:0012683, OMIM 611523.

gnomAD v4.1: 2 of 1,614,204 alleles (0.00012%); highest among the groups gnomAD compares: South Asian, 0.0011%; no homozygotes.

Submissions (3):

Fulgent Genetics
Classification: Uncertain significance for Pontocerebellar hypoplasia type 6. Last evaluated: 2021-07-01. Review status: criteria provided, single submitter. Criteria: ACMG Guidelines, 2015. Collection method: clinical testing. Allele origin: unknown.

GeneDx
Classification: Uncertain significance. Last evaluated: 2012-07-13. Review status: criteria provided, single submitter. Criteria: GeneDx Variant Classification (06012015). Collection method: clinical testing. Allele origin: germline. Affected: yes.
Comment: p.Ile253Val (ATT>GTT): c.757 A>G in exon 9 of the RARS2 gene (NM_020320.3) A variant of unknown significance has been identified in the RARS2 gene. The c.757 A>G sequence change has not been published as a mutation, nor has it been reported as a benign polymorphism to our knowledge. Two in-silico splice prediction models predict that c.757 A>G creates a cryptic splice donor site that is predicted to be better than the natural splice donor site in intron 9. However, the true effect of the c.757 A>G sequence change in vivo is not known. Therefore, based on the currently available information it is unclear whether c.757 A>G is a disease-causing mutation or a rare benign variant. The variant is found in MITONUC-MITOP panel(s).

Natera, Inc.
Classification: Uncertain significance for Pontocerebellar hypoplasia, type 6. Last evaluated: 2020-02-26. Review status: no assertion criteria provided. Collection method: clinical testing. Allele origin: germline. Not counted in ClinVar's aggregate classification.